The following is an entry in ClinVar:

ClinVar aggregate classification (germline): Likely benign. Review status: criteria provided, single submitter (1 of 4 stars). 2 submissions from 2 submitters: Likely benign (1). 1 of the submissions does not count toward it. Last evaluated 2026-01-28.

Conditions:
NCF4-related disorder. Also called: NCF4-related condition.
Granulomatous disease, chronic, autosomal recessive, cytochrome b-positive, type 3. Also called: CGD, AUTOSOMAL RECESSIVE CYTOCHROME b-POSITIVE, TYPE III; GRANULOMATOUS DISEASE, CHRONIC, DUE TO NCF4 DEFICIENCY; Granulomatous disease, chronic, autosomal recessive, cytochrome b-positive, type III; GRANULOMATOUS DISEASE, CHRONIC, AUTOSOMAL RECESSIVE, 3. Identifiers: Orphanet 379, MedGen C3151409, MONDO:0013507, OMIM 613960.

Allele frequency attached by ClinVar (database versions not stated): ExAC 0.00004; gnomAD exomes 0.00004; TOPMed 0.00004; gnomAD 0.00005 and 0.00006.
gnomAD v4.1: 26 of 1,614,050 alleles (0.0016%); highest among the groups gnomAD compares: Admixed American, 0.0067%; no homozygotes.

Submissions (2):

Labcorp Genetics (formerly Invitae), Labcorp
Classification: Likely benign for Granulomatous disease, chronic, autosomal recessive, cytochrome b-positive, type 3. Last evaluated: 2026-01-28. Review status: criteria provided, single submitter. Criteria: Invitae Variant Classification Sherloc (09022015). Collection method: clinical testing. Allele origin: germline.

PreventionGenetics, part of Exact Sciences
Classification: Likely benign for NCF4-related condition. Last evaluated: 2023-12-14. Review status: no assertion criteria provided. Collection method: clinical testing. Allele origin: germline. Not counted in ClinVar's aggregate classification.
Comment: This variant is classified as likely benign based on ACMG/AMP sequence variant interpretation guidelines (Richards et al. 2015 PMID: 25741868, with internal and published modifications).

NM_000631.5(NCF4):c.306C>T (p.Ala102=)

Genes: NCF4 (neutrophil cytosolic factor 4; plus strand), NCF4-AS1 (NCF4 antisense RNA 1; minus strand). Cytogenetic location: 22q12.3.
Variant type: single nucleotide variant.
Coding change: c.306C>T on transcript NM_000631.5 (MANE Select); coding-DNA position 306, C replaced by T.
Protein change: p.Ala102=; no amino-acid change (alanine 102 retained).
Molecular consequence: synonymous variant.
Genome position (GRCh38, 1-based): chr22:36,867,426, C>T. VCF-style: chr22-36867426-C-T. GRCh37 (hg19) VCF-style: chr22-37263468-C-T.
Other names: c.306C>T, p.Ala102= (NM_013416.4).
Identifiers: ClinVar variation 539180 (VCV000539180.14), dbSNP rs34072404, ClinGen allele CA10212934.
Genomic context (GRCh38, chr22:36,867,426, plus strand): 5'-TAGGACAGCTCTTTGTCTCTTCTCAGCCAAAGTCTACGTGGGTGTGAAACAGGAGATCGC[C>T]GAGATGCGGATACCTGCCCTCAACGCCTACATGAAGGTACCAGTGGGCCTTGCCACCTTG-3'
Protein context (NP_000622.2, residues 92-112): KVYVGVKQEI[Ala102=]EMRIPALNAY